The following is an entry in ClinVar:

ClinVar aggregate classification (germline): Benign (3 of 4 stars; one submission).

Conditions:
Breast-ovarian cancer, familial, susceptibility to, 1 (BROVCA1). Also called: OVARIAN CANCER, SUSCEPTIBILITY TO; BRCA1 Hereditary Breast and Ovarian Cancer. Identifiers: Orphanet 145, MedGen C2676676, MONDO:0011450, OMIM 604370. Disease mechanism: loss of function.

Submission:

Evidence-based Network for the Interpretation of Germline Mutant Alleles (ENIGMA)
Classification: Benign for Breast-ovarian cancer, familial 1. Last evaluated: 2015-01-12. Review status: reviewed by expert panel. Criteria: ENIGMA BRCA1/2 Classification Criteria (2015). Collection method: curation. Allele origin: germline.
Comment: Class 1 not pathogenic based on frequency >1% in an outbred sampleset. Frequency 0.33 (Asian), 0.22 (African), 0.36 (European), derived from 1000 genomes (2012-04-30).

NM_007294.3(BRCA1):c.*5678_*5679insAT

Gene: BRCA1 (BRCA1 DNA repair associated; minus strand). Cytogenetic location: 17q21.31.
Variant type: Microsatellite.
Coding change: c.*5678_*5679insAT on transcript NM_007294.3; 5678 bases downstream of the stop codon through 5679 bases downstream of the stop codon, AT inserted.
Genome position: GRCh38 VCF-style: chr17-43039999-C-CAT. GRCh37 (hg19) VCF-style: chr17-41192016-C-CAT.
Other names: 11389 insAT.
Identifiers: ClinVar variation 209221 (VCV000209221.3), dbSNP rs35578914, ClinGen allele CA276197.